The following is an entry in ClinVar:

ClinVar aggregate classification (germline): Uncertain significance (1 of 4 stars; one submission).

gnomAD v4.1: 1 of 1,614,100 alleles (0.000062%); highest among the groups gnomAD compares: Non-Finnish European, 0.000085%; no homozygotes.

Submission:

CeGaT Center for Human Genetics Tuebingen
Classification: Uncertain significance. Last evaluated: 2025-04-01. Review status: criteria provided, single submitter. Criteria: CeGaT Center For Human Genetics Tuebingen Variant Classification Criteria Version 2. Collection method: clinical testing. Allele origin: germline. Affected: yes. Observed: 1 variant allele.
Comment: SPTAN1: PM2

NM_001130438.3(SPTAN1):c.1721A>G (p.His574Arg)

Gene: SPTAN1 (spectrin alpha, non-erythrocytic 1; plus strand). Cytogenetic location: 9q34.11.
Variant type: single nucleotide variant.
Coding change: c.1721A>G on transcript NM_001130438.3 (MANE Select); coding-DNA position 1721, A replaced by G.
Protein change: p.His574Arg; replaces histidine 574 with arginine.
Molecular consequence: missense variant.
Genome position (GRCh38, 1-based): chr9:128,582,764, A>G. VCF-style: chr9-128582764-A-G. GRCh37 (hg19) VCF-style: chr9-131345043-A-G.
Other names: c.1757A>G, p.His586Arg (NM_001375312.2, NM_001375318.1); c.1721A>G, p.His574Arg (NM_001375313.1, NM_001375314.2, NM_003127.4 and 5 more transcripts); short protein forms H574R, H586R.
Identifiers: ClinVar variation 3898739 (VCV003898739.7).